The following is an entry in ClinVar:

NM_001363711.2(DUOX2):c.1040+1G>C

Gene: DUOX2 (dual oxidase 2; minus strand). Cytogenetic location: 15q21.1.
Variant type: single nucleotide variant.
Coding change: c.1040+1G>C on transcript NM_001363711.2 (MANE Select); the canonical splice donor site of the intron after coding-DNA position 1040, G replaced by C.
Molecular consequence: splice donor variant.
Genome position (GRCh38, 1-based): chr15:45,110,427, C>G on the plus strand (G>C on the coding strand, the complement: DUOX2 is on the minus strand). VCF-style: chr15-45110427-C-G. GRCh37 (hg19) VCF-style: chr15-45402625-C-G.
Other names: c.1040+1G>C (NM_014080.5).
Identifiers: ClinVar variation 3018253 (VCV003018253.4), dbSNP rs977021576, ClinGen allele CA270132866.

ClinVar aggregate classification (germline): Likely pathogenic (1 of 4 stars; one submission).

Allele frequency attached by ClinVar (database versions not stated): gnomAD 0.00001; TOPMed 0.00003.
gnomAD v4.1: 3 of 1,613,332 alleles (0.00019%); highest among the groups gnomAD compares: Admixed American, 0.0017%; no homozygotes.

Submission:

Labcorp Genetics (formerly Invitae), Labcorp
Classification: Likely pathogenic. Last evaluated: 2025-07-04. Review status: criteria provided, single submitter. Criteria: Invitae Variant Classification Sherloc (09022015). Collection method: clinical testing. Allele origin: germline.
Comment: This sequence change affects a donor splice site in intron 9 of the DUOX2 gene. It is expected to disrupt RNA splicing. Variants that disrupt the donor or acceptor splice site typically lead to a loss of protein function (PMID: 16199547), and loss-of-function variants in DUOX2 are known to be pathogenic (PMID: 12110737, 18765513, 21565790, 24423310, 24735383). This variant is not present in population databases (gnomAD no frequency). This variant has not been reported in the literature in individuals affected with DUOX2-related conditions. ClinVar contains an entry for this variant (Variation ID: 3018253). Algorithms developed to predict the effect of sequence changes on RNA splicing suggest that this variant may disrupt the consensus splice site. In summary, the currently available evidence indicates that the variant is pathogenic, but additional data are needed to prove that conclusively. Therefore, this variant has been classified as Likely Pathogenic.

Literature cited by the submitters: PubMed 16199547; PubMed 12110737; PubMed 18765513; PubMed 21565790; PubMed 24423310; PubMed 24735383.